The following is an entry in ClinVar:

ClinVar aggregate classification (germline): Likely benign. Review status: criteria provided, multiple submitters, no conflicts (2 of 4 stars). 2 submissions from 2 submitters: Likely benign (2). Last evaluated 2026-08-04.

Conditions:
ACBD5-related disorder. Also called: ACBD5-related condition.

Allele frequency attached by ClinVar (database versions not stated): gnomAD exomes below 0.00001 and 0.00002; gnomAD 0.00001 and 0.00003; TOPMed 0.00003; 1000 Genomes Project 0.00040; 1000 Genomes Project 30x 0.00062.
gnomAD v4.1: 31 of 1,613,904 alleles (0.0019%); highest among the groups gnomAD compares: Admixed American, 0.028%; no homozygotes.

Submissions (2):

PreventionGenetics, part of Exact Sciences
Classification: Likely benign for ACBD5-related condition. Last evaluated: 2026-08-04. Review status: criteria provided, single submitter. Criteria: ACMG Guidelines, 2015. Collection method: clinical testing. Allele origin: germline.
Comment: This variant is classified as likely benign based on ACMG/AMP sequence variant interpretation guidelines (Richards et al. 2015 PMID: 25741868, with internal and published modifications).

Labcorp Genetics (formerly Invitae), Labcorp
Classification: Likely benign. Last evaluated: 2024-11-19. Review status: criteria provided, single submitter. Criteria: Invitae Variant Classification Sherloc (09022015). Collection method: clinical testing. Allele origin: germline.

NM_145698.5(ACBD5):c.522C>T (p.Asn174=)

Gene: ACBD5 (acyl-CoA binding domain containing 5; minus strand). Cytogenetic location: 10p12.1.
Variant type: single nucleotide variant.
Coding change: c.522C>T on transcript NM_145698.5 (MANE Select); coding-DNA position 522, C replaced by T.
Protein change: p.Asn174=; no amino-acid change (asparagine 174 retained).
Molecular consequence: synonymous variant. On other transcripts: intron variant (2).
Genome position (GRCh38, 1-based): chr10:27,219,826, G>A on the plus strand (C>T on the coding strand, the complement: ACBD5 is on the minus strand). VCF-style: chr10-27219826-G-A. GRCh37 (hg19) VCF-style: chr10-27508755-G-A.
Other names: c.417C>T, p.Asn139= (NM_001042473.4, NM_001352577.2, NM_001352578.2 and 2 more transcripts); c.516C>T, p.Asn172= (NM_001271512.3, NM_001352587.1); c.195C>T, p.Asn65= (NM_001301251.2, NM_001301252.2, NM_001301253.2 and 3 more transcripts); c.576C>T, p.Asn192= (NM_001352568.1); c.555C>T, p.Asn185= (NM_001352569.1, NM_001352581.1); c.522C>T, p.Asn174= (NM_001352570.1, NM_001352588.1); c.549C>T, p.Asn183= (NM_001352571.1, NM_001352586.1); c.543C>T, p.Asn181= (NM_001352572.1); and 5 more.
Identifiers: ClinVar variation 1572747 (VCV001572747.9), dbSNP rs545062218, ClinGen allele CA204467252.